The following is an entry in ClinVar:

NM_000260.4(MYO7A):c.4042_4057del (p.Lys1348fs)

Gene: MYO7A (myosin VIIA; plus strand). Cytogenetic location: 11q13.5.
Variant type: Deletion.
Coding change: c.4042_4057del on transcript NM_000260.4 (MANE Select); coding-DNA positions 4042 to 4057, 16 bases deleted (AAAGAGGTCTTCACGC).
Protein change: p.Lys1348fs; shifts the reading frame from lysine 1348.
Molecular consequence: frameshift variant.
Genome position (GRCh38, 1-based): chr11:77,192,168-77,192,183, AAAGAGGTCTTCACGC deleted; deleting any 16 consecutive bases within chr11:77,192,165-77,192,183 gives the same sequence; the c. name uses the placement nearest the transcript's 3' end. VCF-style (leftmost placement, unchanged base first): chr11-77192164-CCGCAAAGAGGTCTTCA-C. GRCh37 (hg19) VCF-style: chr11-76903209-CCGCAAAGAGGTCTTCA-C.
Other names: c.4042_4057del, p.Lys1348fs (NM_001127180.2); c.4009_4024del, p.Lys1337fs (NM_001369365.1); short protein forms K1337fs, K1348fs.
Identifiers: ClinVar variation 4058205 (VCV004058205.2).

ClinVar aggregate classification (germline): Likely pathogenic (1 of 4 stars; one submission).

Conditions:
Usher syndrome type 1B (USH1B). Also called: Usher syndrome type IB. Identifiers: MedGen C1848638, MONDO:0700087.

Submission:

Natera, Inc.
Classification: Likely pathogenic for Usher syndrome type 1B. Last evaluated: 2025-02-14. Review status: criteria provided, single submitter. Criteria: Natera Variant Classification Schema (03/2026). Collection method: clinical testing. Allele origin: germline.
Comment: The c.4042_4057del variant in MYO7A is a frameshift variant predicted to shift the reading frame beginning at codon 1348 and leads to a stop codon 46 codons downstream. This variant is expected to result in nonsense mediated decay, truncation, or a dysfunctional protein product. This variant is rare in the general population with a frequency below the threshold expected for the associated phenotype(s). Given the available evidence, this variant is classified as Likely Pathogenic.